The following is an entry in ClinVar:

NM_000548.5(TSC2):c.5183G>T (p.Ser1728Ile)

Gene: TSC2 (TSC complex subunit 2; plus strand). Cytogenetic location: 16p13.3.
Variant type: single nucleotide variant.
Coding change: c.5183G>T on transcript NM_000548.5 (MANE Select); coding-DNA position 5183, G replaced by T.
Protein change: p.Ser1728Ile; replaces serine 1728 with isoleucine.
Molecular consequence: missense variant.
Genome position (GRCh38, 1-based): chr16:2,088,249, G>T. VCF-style: chr16-2088249-G-T. GRCh37 (hg19) VCF-style: chr16-2138250-G-T.
Other names: c.4982G>T, p.Ser1661Ile (NM_001077183.3); c.5114G>T, p.Ser1705Ile (NM_001114382.3); c.4874G>T, p.Ser1625Ile (NM_001318827.2); c.4838G>T, p.Ser1613Ile (NM_001318829.2); c.4451G>T, p.Ser1484Ile (NM_001318831.2); c.5015G>T, p.Ser1672Ile (NM_001318832.2); c.4985G>T, p.Ser1662Ile (NM_001363528.2); c.5051G>T, p.Ser1684Ile (NM_001370404.1); and 2 more; short protein forms S1484I, S1613I, S1625I, S1662I, S1685I, S1705I, S1728I, S1661I.
Identifiers: ClinVar variation 935997 (VCV000935997.12), dbSNP rs1596460117, ClinGen allele CA394314110.

ClinVar aggregate classification (germline): Uncertain significance. Review status: criteria provided, multiple submitters, no conflicts (2 of 4 stars). 3 submissions from 3 submitters: Uncertain significance (3). Last evaluated 2025-09-07.

Conditions:
Hereditary cancer-predisposing syndrome. Also called: Tumor predisposition; Hereditary neoplastic syndrome; Neoplastic Syndromes, Hereditary; Hereditary Cancer Syndrome. Identifiers: Orphanet 140162, MedGen C0027672, MeSH D009386, MONDO:0015356.
Tuberous sclerosis 2 (TSC2). Identifiers: Orphanet 805, MedGen C1860707, MONDO:0013199, OMIM 613254.

Allele frequency attached by ClinVar (database versions not stated): gnomAD exomes below 0.00001.
gnomAD v4.1: 2 of 1,603,840 alleles (0.00012%); highest among the groups gnomAD compares: East Asian, 0.0045%; no homozygotes.

Submissions (3):

Ambry Genetics
Classification: Uncertain significance for Hereditary cancer-predisposing syndrome. Last evaluated: 2025-09-07. Review status: criteria provided, single submitter. Criteria: Ambry Variant Classification Scheme 2023. Collection method: clinical testing. Allele origin: germline.
Comment: The p.S1728I variant (also known as c.5183G>T), located in coding exon 40 of the TSC2 gene, results from a G to T substitution at nucleotide position 5183. The serine at codon 1728 is replaced by isoleucine, an amino acid with dissimilar properties. This amino acid position is conserved. In addition, this alteration is predicted to be deleterious by in silico analysis. Since supporting evidence is limited at this time, the clinical significance of this alteration remains unclear.

Labcorp Genetics (formerly Invitae), Labcorp
Classification: Uncertain significance for Tuberous sclerosis 2. Last evaluated: 2025-04-27. Review status: criteria provided, single submitter. Criteria: Invitae Variant Classification Sherloc (09022015). Collection method: clinical testing. Allele origin: germline.
Comment: This sequence change replaces serine, which is neutral and polar, with isoleucine, which is neutral and non-polar, at codon 1728 of the TSC2 protein (p.Ser1728Ile). This variant is not present in population databases (gnomAD no frequency). This variant has not been reported in the literature in individuals affected with TSC2-related conditions. ClinVar contains an entry for this variant (Variation ID: 935997). Invitae Evidence Modeling of protein sequence and biophysical properties (such as structural, functional, and spatial information, amino acid conservation, physicochemical variation, residue mobility, and thermodynamic stability) indicates that this missense variant is not expected to disrupt TSC2 protein function with a negative predictive value of 95%. In summary, the available evidence is currently insufficient to determine the role of this variant in disease. Therefore, it has been classified as a Variant of Uncertain Significance.

GeneDx
Classification: Uncertain significance. Last evaluated: 2024-03-20. Review status: criteria provided, single submitter. Criteria: GeneDx Variant Classification Process June 2021. Collection method: clinical testing. Allele origin: germline. Affected: yes.
Comment: Not observed at significant frequency in large population cohorts (gnomAD); In silico analysis supports that this missense variant has a deleterious effect on protein structure/function; Has not been previously published as pathogenic or benign to our knowledge